The following is an entry in ClinVar:

NM_001377458.1(CLCC1):c.1289T>A (p.Leu430Ter)

Gene: CLCC1 (chloride channel CLIC like 1; minus strand). Cytogenetic location: 1p13.3.
Variant type: single nucleotide variant.
Coding change: c.1289T>A on transcript NM_001377458.1 (MANE Select); coding-DNA position 1289, T replaced by A.
Protein change: p.Leu430Ter; replaces leucine 430 with a stop codon.
Molecular consequence: nonsense. On other transcripts: non-coding transcript variant (1).
Genome position (GRCh38, 1-based): chr1:108,937,171, A>T on the plus strand (T>A on the coding strand, the complement: CLCC1 is on the minus strand). VCF-style: chr1-108937171-A-T. GRCh37 (hg19) VCF-style: chr1-109479793-A-T.
Other names: c.1289T>A, p.Leu430Ter (NM_001048210.3, NM_001377459.1, NM_001377460.1 and 8 more transcripts); c.926T>A, p.Leu309Ter (NM_001278202.2); c.734T>A, p.Leu245Ter (NM_001278203.1); c.1187T>A, p.Leu396Ter (NM_001377469.1); c.998T>A, p.Leu333Ter (NM_001377470.1); c.1139T>A, p.Leu380Ter (NM_015127.5); short protein forms L245*, L333*, L380*, L309*, L396*, L430*.
Identifiers: ClinVar variation 1392895 (VCV001392895.6), dbSNP rs994524736, ClinGen allele CA341456851.

ClinVar aggregate classification (germline): Uncertain significance (1 of 4 stars; one submission).

gnomAD v4.1: 1 of 1,585,602 alleles (0.000063%); highest among the groups gnomAD compares: Non-Finnish European, 0.000086%; no homozygotes.

Submission:

Labcorp Genetics (formerly Invitae), Labcorp
Classification: Uncertain significance. Last evaluated: 2021-11-12. Review status: criteria provided, single submitter. Criteria: Invitae Variant Classification Sherloc (09022015). Collection method: clinical testing. Allele origin: germline.
Comment: In summary, the available evidence is currently insufficient to determine the role of this variant in disease. Therefore, it has been classified as a Variant of Uncertain Significance. This variant has not been reported in the literature in individuals affected with CLCC1-related conditions. This variant is not present in population databases (gnomAD no frequency). This sequence change creates a premature translational stop signal (p.Leu430*) in the CLCC1 gene. It is expected to result in an absent or disrupted protein product. However, the current clinical and genetic evidence is not sufficient to establish whether loss-of-function variants in CLCC1 cause disease.